The following is an entry in ClinVar:

NM_001044.5(SLC6A3):c.1042G>C (p.Val348Leu)

Gene: SLC6A3 (solute carrier family 6 member 3). Cytogenetic location: 5p15.33.
Variant type: single nucleotide variant.
Coding change: c.1042G>C on transcript NM_001044.5 (MANE Select); coding-DNA position 1042, G replaced by C.
Protein change: p.Val348Leu; replaces valine 348 with leucine.
Molecular consequence: missense variant.
Genome position (GRCh38, 1-based): chr5:1,414,805, C>G on the plus strand (G>C on the coding strand, the complement: SLC6A3 is on the minus strand). VCF-style: chr5-1414805-C-G. GRCh37 (hg19) VCF-style: chr5-1414920-C-G.
Other names: c.1042G>C (NM_001044.4); short protein forms V348L.
Identifiers: ClinVar variation 1465890 (VCV001465890.9), dbSNP rs1756241093, ClinGen allele CA359083454.
Genomic context (GRCh38, chr5:1,414,805, plus strand): 5'-GGAAGGAGAAGACGACGAAGCCGGAGGAGAAGCTCGTCAGGGAGTTGATGGAGGTGGTGA[C>G]AATCGCGTCCCTGTAAGAACAAGACACGCCGTCTCAGGAACCAGCTGAGCTGCAGCAGCT-3'
Protein context (NP_001035.1, residues 338-358): FTNNCYRDAI[Val348Leu]TTSINSLTSF

ClinVar aggregate classification (germline): Uncertain significance. Review status: criteria provided, multiple submitters, no conflicts (2 of 4 stars). 2 submissions from 2 submitters: Uncertain significance (2). Last evaluated 2024-05-16.

Conditions:
Parkinsonism-dystonia, infantile. Identifiers: Orphanet 238455, MedGen C2751067, MONDO:0013150.

Allele frequency attached by ClinVar (database versions not stated): gnomAD exomes below 0.00001.
gnomAD v4.1: 3 of 1,612,904 alleles (0.00019%); highest among the groups gnomAD compares: Non-Finnish European, 0.00025%; no homozygotes.

Submissions (2):

GeneDx
Classification: Uncertain significance. Last evaluated: 2024-05-16. Review status: criteria provided, single submitter. Criteria: GeneDx Variant Classification Process June 2021. Collection method: clinical testing. Allele origin: germline. Affected: yes.
Comment: Not observed at significant frequency in large population cohorts (gnomAD); In silico analysis indicates that this missense variant does not alter protein structure/function; Has not been previously published as pathogenic or benign to our knowledge

Labcorp Genetics (formerly Invitae), Labcorp
Classification: Uncertain significance for Parkinsonism-dystonia, infantile. Last evaluated: 2021-06-08. Review status: criteria provided, single submitter. Criteria: Invitae Variant Classification Sherloc (09022015). Collection method: clinical testing. Allele origin: germline.
Comment: This sequence change replaces valine with leucine at codon 348 of the SLC6A3 protein (p.Val348Leu). The valine residue is weakly conserved and there is a small physicochemical difference between valine and leucine. This variant is not present in population databases (ExAC no frequency). This variant has not been reported in the literature in individuals with SLC6A3-related conditions. Algorithms developed to predict the effect of missense changes on protein structure and function output the following: SIFT: "Tolerated"; PolyPhen-2: "Benign"; Align-GVGD: "Class C0". The leucine amino acid residue is found in multiple mammalian species, suggesting that this missense change does not adversely affect protein function. These predictions have not been confirmed by published functional studies and their clinical significance is uncertain. In summary, the available evidence is currently insufficient to determine the role of this variant in disease. Therefore, it has been classified as a Variant of Uncertain Significance.